The following is an entry in ClinVar:

NM_005068.3(SIM1):c.475T>C (p.Ser159Pro)

Gene: SIM1 (SIM bHLH transcription factor 1; minus strand). Cytogenetic location: 6q16.3.
Variant type: single nucleotide variant.
Coding change: c.475T>C on transcript NM_005068.3 (MANE Select); coding-DNA position 475, T replaced by C.
Protein change: p.Ser159Pro; replaces serine 159 with proline.
Molecular consequence: missense variant.
Genome position (GRCh38, 1-based): chr6:100,449,431, A>G on the plus strand (T>C on the coding strand, the complement: SIM1 is on the minus strand). VCF-style: chr6-100449431-A-G. GRCh37 (hg19) VCF-style: chr6-100897307-A-G.
Other names: c.475T>C, p.Ser159Pro (NM_001374769.1); short protein forms S159P.
Identifiers: ClinVar variation 1707529 (VCV001707529.1), dbSNP rs2482139714, ClinGen allele CA365126252.
Genomic context (GRCh38, chr6:100,449,431, plus strand): 5'-CGCCACAGGTGAGGCCGGCGTTACGCTTGGCCAAGACGCACTTCATCCTCAGGAAGAAGG[A>G]GCGCTCGATCTCATACTCTGGGAGAGAGGAACGAAGGGAAGCTCAGGTCGTGTGACACCG-3'
Protein context (NP_005059.2, residues 149-169): HFVQEYEIER[Ser159Pro]FFLRMKCVLA

ClinVar aggregate classification (germline): Uncertain significance (1 of 4 stars; one submission).

Conditions:
Obesity due to SIM1 deficiency. Identifiers: Orphanet 369873, MedGen C5191050, MONDO:0018244.

Allele frequency attached by ClinVar (database versions not stated): gnomAD exomes below 0.00001.
gnomAD v4.1: 4 of 1,613,996 alleles (0.00025%); highest among the groups gnomAD compares: Non-Finnish European, 0.00034%; no homozygotes.

Submission:

Institute of Human Genetics, University of Leipzig Medical Center
Classification: Uncertain significance for Obesity due to SIM1 deficiency. Last evaluated: 2022-09-07. Review status: criteria provided, single submitter. Criteria: ACMG Guidelines, 2015. Collection method: clinical testing. Allele origin: unknown. Affected: yes.
Comment: _x000D_ Criteria applied: PM2_SUP, PP3